The following is an entry in ClinVar:

NM_001367561.1(DOCK7):c.2960A>T (p.Glu987Val)

Gene: DOCK7 (dedicator of cytokinesis 7; minus strand). Cytogenetic location: 1p31.3.
Variant type: single nucleotide variant.
Coding change: c.2960A>T on transcript NM_001367561.1 (MANE Select); coding-DNA position 2960, A replaced by T.
Protein change: p.Glu987Val; replaces glutamic acid 987 with valine.
Molecular consequence: missense variant.
Genome position (GRCh38, 1-based): chr1:62,542,693, T>A on the plus strand (A>T on the coding strand, the complement: DOCK7 is on the minus strand). VCF-style: chr1-62542693-T-A. GRCh37 (hg19) VCF-style: chr1-63008364-T-A.
Other names: c.2960A>T, p.Glu987Val (NM_001271999.2, NM_001330614.2); c.2867A>T, p.Glu956Val (NM_001272000.2, NM_001272001.2, NM_033407.4); short protein forms E956V, E987V.
Identifiers: ClinVar variation 1394396 (VCV001394396.6), dbSNP rs2149399846, ClinGen allele CA340613655.
Genomic context (GRCh38, chr1:62,542,693, plus strand): 5'-TGTTGCAAAGCTGATTCCCGAACGCTGCCACTGCAAACAACCCACTGCAAAGCCAGCTCC[T>A]CGTGAAAAAGCTATCCAGAAGTAAATCCAAAGTTATTATCAAAGTCAAATCTGCTGATAA-3'
Protein context (NP_001354490.1, residues 977-997): GRLPTKKLFH[Glu987Val]ELALQWVVCS

ClinVar aggregate classification (germline): Uncertain significance (1 of 4 stars; one submission).

Conditions:
Developmental and epileptic encephalopathy, 23 (DEE23). Also called: Epileptic encephalopathy, early infantile, 23. Identifiers: Orphanet 411986, MedGen C4014492, MONDO:0014371, OMIM 615859.

Submission:

Labcorp Genetics (formerly Invitae), Labcorp
Classification: Uncertain significance for Developmental and epileptic encephalopathy, 23. Last evaluated: 2021-11-22. Review status: criteria provided, single submitter. Criteria: Invitae Variant Classification Sherloc (09022015). Collection method: clinical testing. Allele origin: germline.
Comment: This sequence change replaces glutamic acid, which is acidic and polar, with valine, which is neutral and non-polar, at codon 987 of the DOCK7 protein (p.Glu987Val). This variant is not present in population databases (gnomAD no frequency). This variant has not been reported in the literature in individuals affected with DOCK7-related conditions. Algorithms developed to predict the effect of missense changes on protein structure and function are either unavailable or do not agree on the potential impact of this missense change (SIFT: "Deleterious"; PolyPhen-2: "Probably Damaging"; Align-GVGD: "Class C0"). In summary, the available evidence is currently insufficient to determine the role of this variant in disease. Therefore, it has been classified as a Variant of Uncertain Significance.